The following is an entry in ClinVar:

ClinVar aggregate classification (germline): Uncertain significance (1 of 4 stars; one submission).

Submission:

Ambry Genetics
Classification: Uncertain significance. Last evaluated: 2022-03-24. Review status: criteria provided, single submitter. Criteria: Ambry Variant Classification Scheme 2023. Collection method: clinical testing. Allele origin: germline.
Comment: The p.D119E variant (also known as c.357C>G), located in coding exon 1 of the EGLN1 gene, results from a C to G substitution at nucleotide position 357. The aspartic acid at codon 119 is replaced by glutamic acid, an amino acid with highly similar properties. This amino acid position is conserved. In addition, this alteration is predicted to be tolerated by in silico analysis. Since supporting evidence is limited at this time, the clinical significance of this alteration remains unclear.

NM_022051.3(EGLN1):c.357C>G (p.Asp119Glu)

Gene: EGLN1 (egl-9 family hypoxia inducible factor 1; minus strand). Cytogenetic location: 1q42.2.
Variant type: single nucleotide variant.
Coding change: c.357C>G on transcript NM_022051.3 (MANE Select); coding-DNA position 357, C replaced by G.
Protein change: p.Asp119Glu; replaces aspartic acid 119 with glutamic acid.
Molecular consequence: missense variant.
Genome position (GRCh38, 1-based): chr1:231,421,532, G>C on the plus strand (C>G on the coding strand, the complement: EGLN1 is on the minus strand). VCF-style: chr1-231421532-G-C. GRCh37 (hg19) VCF-style: chr1-231557278-G-C.
Other names: c.357C>G, p.Asp119Glu (NM_001377260.1, NM_001377261.1); short protein forms D119E.
Identifiers: ClinVar variation 1732868 (VCV001732868.2), dbSNP rs2527360531, ClinGen allele CA345237498.
Genomic context (GRCh38, chr1:231,421,532, plus strand): 5'-AGCCACCGCCGAGCCCTGGCCGCCGGCGGCCGCACGACACGGCGACGCGGCCGCCGCTGG[G>C]TCGGCCGGGGGCTTGGCCTTTACTTTTCCCTTGGCCGCGTCCCCGGAGGCGTTGTCCCGG-3'
Protein context (NP_071334.1, residues 109-129): KGKVKAKPPA[Asp119Glu]PAAAASPCRA